The following is an entry in ClinVar:

ClinVar aggregate classification (germline): Benign (0 of 4 stars; one submission).

Conditions:
HIVEP3-related disorder. Also called: HIVEP3-related condition.

Allele frequency attached by ClinVar (database versions not stated): ESP Exome Variant Server 0.00744; TOPMed 0.00753; gnomAD 0.00804; 1000 Genomes Project 30x 0.01202; 1000 Genomes Project 0.01318.
gnomAD v4.1: 6,166 of 1,609,044 alleles (0.38%); highest among the groups gnomAD compares: African/African-American, 1.8%; 37 homozygotes.

Submission:

PreventionGenetics, part of Exact Sciences
Classification: Benign for HIVEP3-related condition. Last evaluated: 2019-05-23. Review status: no assertion criteria provided. Collection method: clinical testing. Allele origin: germline.
Comment: This variant is classified as benign based on ACMG/AMP sequence variant interpretation guidelines (Richards et al. 2015 PMID: 25741868, with internal and published modifications).

NM_024503.5(HIVEP3):c.5730G>A (p.Thr1910=)

Gene: HIVEP3 (HIVEP zinc finger 3; minus strand). Cytogenetic location: 1p34.2.
Variant type: single nucleotide variant.
Coding change: c.5730G>A on transcript NM_024503.5 (MANE Select); coding-DNA position 5730, G replaced by A.
Protein change: p.Thr1910=; no amino-acid change (threonine 1910 retained).
Molecular consequence: synonymous variant.
Genome position (GRCh38, 1-based): chr1:41,513,491, C>T on the plus strand (G>A on the coding strand, the complement: HIVEP3 is on the minus strand). VCF-style: chr1-41513491-C-T. GRCh37 (hg19) VCF-style: chr1-41979162-C-T.
Other names: c.5730G>A, p.Thr1910= (NM_001127714.3).
Identifiers: ClinVar variation 3038631 (VCV003038631.2), dbSNP rs140035336, ClinGen allele CA797379.